The following is an entry in ClinVar:

ClinVar aggregate classification (germline): Uncertain significance (1 of 4 stars; one submission).

Conditions:
Inborn genetic diseases. Identifiers: MedGen C0950123, MeSH D030342.

Submission:

Ambry Genetics
Classification: Uncertain significance for Inborn genetic diseases. Last evaluated: 2025-08-02. Review status: criteria provided, single submitter. Criteria: Ambry Variant Classification Scheme 2023. Collection method: clinical testing. Allele origin: germline.
Comment: The p.G1187C variant (also known as c.3559G>T), located in coding exon 13 of the ASXL1 gene, results from a G to T substitution at nucleotide position 3559. The glycine at codon 1187 is replaced by cysteine, an amino acid with highly dissimilar properties. This amino acid position is conserved. In addition, this alteration is predicted to be tolerated by in silico analysis. Based on the available evidence, the clinical significance of this variant remains unclear.

NM_015338.6(ASXL1):c.3559G>T (p.Gly1187Cys)

Gene: ASXL1 (ASXL transcriptional regulator 1; plus strand). Cytogenetic location: 20q11.21.
Variant type: single nucleotide variant.
Coding change: c.3559G>T on transcript NM_015338.6 (MANE Select); coding-DNA position 3559, G replaced by T.
Protein change: p.Gly1187Cys; replaces glycine 1187 with cysteine.
Molecular consequence: missense variant.
Genome position (GRCh38, 1-based): chr20:32,436,271, G>T. VCF-style: chr20-32436271-G-T. GRCh37 (hg19) VCF-style: chr20-31024074-G-T.
Other names: c.3376G>T, p.Gly1126Cys (NM_001363734.1); short protein forms G1187C, G1126C.
Identifiers: ClinVar variation 4158596 (VCV004158596.1).